The following is an entry in ClinVar:

NM_032977.4(CASP10):c.163T>C (p.Ser55Pro)

Gene: CASP10 (caspase 10; plus strand). Cytogenetic location: 2q33.1.
Variant type: single nucleotide variant.
Coding change: c.163T>C on transcript NM_032977.4 (MANE Select); coding-DNA position 163, T replaced by C.
Protein change: p.Ser55Pro; replaces serine 55 with proline.
Molecular consequence: missense variant.
Genome position (GRCh38, 1-based): chr2:201,185,940, T>C. VCF-style: chr2-201185940-T-C. GRCh37 (hg19) VCF-style: chr2-202050663-T-C.
Other names: c.163T>C, p.Ser55Pro (NM_001206524.2, NM_001206542.2, NM_001230.5 and 3 more transcripts); c.163T>C (NM_032977.3); short protein forms S55P.
Identifiers: ClinVar variation 1353823 (VCV001353823.7), dbSNP rs773417904, ClinGen allele CA2052787.

ClinVar aggregate classification (germline): Uncertain significance. Review status: criteria provided, multiple submitters, no conflicts (2 of 4 stars). 2 submissions from 2 submitters: Uncertain significance (2). Last evaluated 2024-02-27.

Conditions:
Autoimmune lymphoproliferative syndrome type 2A (ALPS2A). Also called: AUTOIMMUNE LYMPHOPROLIFERATIVE SYNDROME, TYPE IIA; CASP10-Related Autoimmune Lymphoproliferative Syndrome; Autoimmune lymphoproliferative syndrome type 2. Identifiers: Orphanet 3261, MedGen C1858968, MONDO:0011383, OMIM 603909.

Allele frequency attached by ClinVar (database versions not stated): gnomAD exomes 0.00001; ExAC 0.00002; gnomAD 0.00003; TOPMed 0.00003.
gnomAD v4.1: 24 of 1,614,032 alleles (0.0015%); highest among the groups gnomAD compares: Non-Finnish European, 0.002%; no homozygotes.

Submissions (2):

Labcorp Genetics (formerly Invitae), Labcorp
Classification: Uncertain significance for Autoimmune lymphoproliferative syndrome type 2A. Last evaluated: 2024-02-27. Review status: criteria provided, single submitter. Criteria: Invitae Variant Classification Sherloc (09022015). Collection method: clinical testing. Allele origin: germline.
Comment: This sequence change replaces serine, which is neutral and polar, with proline, which is neutral and non-polar, at codon 55 of the CASP10 protein (p.Ser55Pro). This variant is present in population databases (rs773417904, gnomAD 0.002%). This variant has not been reported in the literature in individuals affected with CASP10-related conditions. ClinVar contains an entry for this variant (Variation ID: 1353823). An algorithm developed to predict the effect of missense changes on protein structure and function (PolyPhen-2) suggests that this variant is likely to be disruptive. In summary, the available evidence is currently insufficient to determine the role of this variant in disease. Therefore, it has been classified as a Variant of Uncertain Significance.

Ambry Genetics
Classification: Uncertain significance. Last evaluated: 2021-08-02. Review status: criteria provided, single submitter. Criteria: Ambry Variant Classification Scheme 2023. Collection method: clinical testing. Allele origin: germline.